The following is an entry in ClinVar:

ClinVar aggregate classification (germline): Uncertain significance (1 of 4 stars; one submission).

Conditions:
Joubert syndrome 21 (JBTS21). Identifiers: MedGen C3810212, MONDO:0014288, OMIM 615636.

Submission:

Labcorp Genetics (formerly Invitae), Labcorp
Classification: Uncertain significance for Joubert syndrome 21. Last evaluated: 2022-10-21. Review status: criteria provided, single submitter. Criteria: Invitae Variant Classification Sherloc (09022015). Collection method: clinical testing. Allele origin: germline.
Comment: This sequence change replaces lysine, which is basic and polar, with glutamic acid, which is acidic and polar, at codon 155 of the CSPP1 protein (p.Lys155Glu). This variant is not present in population databases (gnomAD no frequency). This variant has not been reported in the literature in individuals affected with CSPP1-related conditions. Algorithms developed to predict the effect of missense changes on protein structure and function are either unavailable or do not agree on the potential impact of this missense change (SIFT: "Deleterious"; PolyPhen-2: "Probably Damaging"; Align-GVGD: "Class C0"). In summary, the available evidence is currently insufficient to determine the role of this variant in disease. Therefore, it has been classified as a Variant of Uncertain Significance.

NM_001382391.1(CSPP1):c.436A>G (p.Lys146Glu)

Gene: CSPP1 (centrosome and spindle pole associated protein 1; plus strand). Cytogenetic location: 8q13.1.
Variant type: single nucleotide variant.
Coding change: c.436A>G on transcript NM_001382391.1 (MANE Select); coding-DNA position 436, A replaced by G.
Protein change: p.Lys146Glu; replaces lysine 146 with glutamic acid.
Molecular consequence: missense variant. On other transcripts: 5 prime UTR variant (1).
Genome position (GRCh38, 1-based): chr8:67,093,594, A>G. VCF-style: chr8-67093594-A-G. GRCh37 (hg19) VCF-style: chr8-68005829-A-G.
Other names: c.-420A>G (NM_001291339.2); c.355A>G, p.Lys119Glu (NM_001363131.2, NM_001363133.2); c.436A>G, p.Lys146Glu (NM_001363132.2); c.544A>G, p.Lys182Glu (NM_001364869.1); c.463A>G, p.Lys155Glu (NM_001364870.1, NM_024790.7); short protein forms K155E, K182E, K146E, K119E.
Identifiers: ClinVar variation 1910632 (VCV001910632.5), dbSNP rs2488603569, ClinGen allele CA371189014.